The following is an entry in ClinVar:

ClinVar aggregate classification (germline): Benign/Likely benign. Review status: criteria provided, multiple submitters, no conflicts (2 of 4 stars). 7 submissions from 7 submitters: Benign (1); Likely benign (6). Last evaluated 2025-06-08.

Conditions:
Cardiovascular phenotype. Identifiers: MedGen CN230736.
Cardiomyopathy (CMYO). Also called: Cardiomyopathies. Identifiers: Orphanet 167848, MedGen C0878544, MONDO:0004994, HP:0001638. Inheritance: Various modes of inheritance.
Hypertrophic cardiomyopathy. Also called: HYPERTROPHIC MYOCARDIOPATHY. Identifiers: Orphanet 217569, MedGen C0007194, MeSH D002312, MONDO:0005045, HP:0001639.

Allele frequency attached by ClinVar (database versions not stated): gnomAD 0.00001 and 0.00002; gnomAD exomes 0.00001; TOPMed 0.00002.
gnomAD v4.1: 11 of 1,613,998 alleles (0.00068%); highest among the groups gnomAD compares: Middle Eastern, 0.016%; no homozygotes.

Submissions (7):

Labcorp Genetics (formerly Invitae), Labcorp
Classification: Likely benign for Hypertrophic cardiomyopathy. Last evaluated: 2025-06-08. Review status: criteria provided, single submitter. Criteria: Invitae Variant Classification Sherloc (09022015). Collection method: clinical testing. Allele origin: germline.

Blueprint Genetics
Classification: Likely benign. Last evaluated: 2024-03-06. Review status: criteria provided, single submitter. Criteria: ACMG Guidelines, 2015. Collection method: clinical testing. Allele origin: germline.

All of Us Research Program, National Institutes of Health
Classification: Likely benign for Cardiomyopathy. Last evaluated: 2023-11-02. Review status: criteria provided, single submitter. Criteria: ACMG Guidelines, 2015. Collection method: clinical testing. Allele origin: germline. Inheritance: Autosomal dominant inheritance. Observed: 4 variant alleles, 4 heterozygotes.
Comment: This study involves interpretation of variants in research participants for the purpose of population health screening. Participant phenotype was not available at the time of variant classification. Additional details can be found in publication PMID: 35346344, PMCID: PMC8962531

Color Diagnostics, LLC DBA Color Health
Classification: Likely benign for Cardiomyopathy. Last evaluated: 2021-05-04. Review status: criteria provided, single submitter. Criteria: ACMG Guidelines, 2015. Collection method: clinical testing. Allele origin: germline.

Ambry Genetics
Classification: Likely benign for Cardiovascular phenotype. Last evaluated: 2020-07-21. Review status: criteria provided, single submitter. Criteria: Ambry Variant Classification Scheme 2023. Collection method: clinical testing. Allele origin: germline.

Molecular Diagnostic Laboratory for Inherited Cardiovascular Disease, Montreal Heart Institute
Classification: Likely benign. Last evaluated: 2019-09-12. Review status: criteria provided, single submitter. Criteria: ACMG Guidelines, 2015. Collection method: clinical testing. Allele origin: germline. Affected: yes.

GeneDx
Classification: Benign. Last evaluated: 2015-03-03. Review status: criteria provided, single submitter. Criteria: GeneDx Variant Classification Process June 2021. Collection method: clinical testing. Allele origin: germline. Affected: yes.

NM_000257.4(MYH7):c.2862C>T (p.Ile954=)

Gene: MYH7 (myosin heavy chain 7; minus strand). Cytogenetic location: 14q11.2.
Variant type: single nucleotide variant.
Coding change: c.2862C>T on transcript NM_000257.4 (MANE Select); coding-DNA position 2862, C replaced by T.
Protein change: p.Ile954=; no amino-acid change (isoleucine 954 retained).
Molecular consequence: synonymous variant.
Genome position (GRCh38, 1-based): chr14:23,423,967, G>A on the plus strand (C>T on the coding strand, the complement: MYH7 is on the minus strand). VCF-style: chr14-23423967-G-A. GRCh37 (hg19) VCF-style: chr14-23893176-G-A.
Identifiers: ClinVar variation 525096 (VCV000525096.19), dbSNP rs982198020, ClinGen allele CA257818896.
Genomic context (GRCh38, chr14:23,423,967, plus strand): 5'-CTTGTTCTCTGTTGCGTGTTTCTCCTTCTCCACTTTGGCCAGTGTCAGCTCCAGATCATC[G>A]ATGTCCCTTTTGAGCTCTGAGCACTCATCTTCCAGCTTGCGCTTCTTGGCAGTGAGCTCA-3'
Protein context (NP_000248.2, residues 944-964): EDECSELKRD[Ile954=]DDLELTLAKV